The following is an entry in ClinVar:

NM_014384.3(ACAD8):c.1120G>A (p.Gly374Arg)

Gene: ACAD8 (acyl-CoA dehydrogenase family member 8; plus strand). Cytogenetic location: 11q25.
Variant type: single nucleotide variant.
Coding change: c.1120G>A on transcript NM_014384.3 (MANE Select); coding-DNA position 1120, G replaced by A.
Protein change: p.Gly374Arg; replaces glycine 374 with arginine.
Molecular consequence: missense variant.
Genome position (GRCh38, 1-based): chr11:134,262,547, G>A. VCF-style: chr11-134262547-G-A. GRCh37 (hg19) VCF-style: chr11-134132441-G-A.
Other names: short protein forms G374R.
Identifiers: ClinVar variation 3810924 (VCV003810924.2).
Genomic context (GRCh38, chr11:134,262,547, plus strand): 5'-AGTCCAAGACGTCTAGTCCCTGTCTCCCTGCAGATCTGCAACCAGGCCTTGCAGATGCAC[G>A]GGGGCTACGGCTACCTGAAGGATTACGCTGTTCAGCAGTACGTGCGGGACTCCAGGGTCC-3'
Protein context (NP_055199.1, residues 364-384): AICNQALQMH[Gly374Arg]GYGYLKDYAV

ClinVar aggregate classification (germline): Uncertain significance. Review status: criteria provided, multiple submitters, no conflicts (2 of 4 stars). 2 submissions from 2 submitters: Uncertain significance (2). Last evaluated 2025-03-05.

Conditions:
Deficiency of isobutyryl-CoA dehydrogenase. Also called: IBD DEFICIENCY; ACYL-CoA DEHYDROGENASE FAMILY, MEMBER 8, DEFICIENCY OF; ACAD8 DEFICIENCY. Identifiers: Orphanet 79159, MedGen C1969809, MONDO:0012648, OMIM 611283.
Inborn genetic diseases. Identifiers: MedGen C0950123, MeSH D030342.

gnomAD v4.1: 19 of 1,613,754 alleles (0.0012%); highest among the groups gnomAD compares: Admixed American, 0.0017%; no homozygotes.

Submissions (2):

Labcorp Genetics (formerly Invitae), Labcorp
Classification: Uncertain significance for Deficiency of isobutyryl-CoA dehydrogenase. Last evaluated: 2025-03-05. Review status: criteria provided, single submitter. Criteria: Invitae Variant Classification Sherloc (09022015). Collection method: clinical testing. Allele origin: germline.
Comment: This sequence change replaces glycine, which is neutral and non-polar, with arginine, which is basic and polar, at codon 374 of the ACAD8 protein (p.Gly374Arg). This variant is present in population databases (no rsID available, gnomAD 0.003%). This variant has not been reported in the literature in individuals affected with ACAD8-related conditions. Invitae Evidence Modeling of protein sequence and biophysical properties (such as structural, functional, and spatial information, amino acid conservation, physicochemical variation, residue mobility, and thermodynamic stability) indicates that this missense variant is expected to disrupt ACAD8 protein function with a positive predictive value of 95%. In summary, the available evidence is currently insufficient to determine the role of this variant in disease. Therefore, it has been classified as a Variant of Uncertain Significance.

Ambry Genetics
Classification: Uncertain significance for Inborn genetic diseases. Last evaluated: 2025-02-08. Review status: criteria provided, single submitter. Criteria: Ambry Variant Classification Scheme 2023. Collection method: clinical testing. Allele origin: germline.